The following is an entry in ClinVar:

ClinVar aggregate classification (germline): Uncertain significance (1 of 4 stars; one submission).

Conditions:
COG7 congenital disorder of glycosylation (CDG2E). Also called: CONGENITAL DISORDER OF GLYCOSYLATION, TYPE IIe; CDG IIe. Identifiers: Orphanet 79333, MedGen C2931010, MONDO:0012118, OMIM 608779.

Submission:

Labcorp Genetics (formerly Invitae), Labcorp
Classification: Uncertain significance for COG7 congenital disorder of glycosylation. Last evaluated: 2020-12-21. Review status: criteria provided, single submitter. Criteria: Invitae Variant Classification Sherloc (09022015). Collection method: clinical testing. Allele origin: germline.
Comment: In summary, the available evidence is currently insufficient to determine the role of this variant in disease. Therefore, it has been classified as a Variant of Uncertain Significance. Algorithms developed to predict the effect of missense changes on protein structure and function are either unavailable or do not agree on the potential impact of this missense change (SIFT: "Tolerated"; PolyPhen-2: "Possibly Damaging"; Align-GVGD: "Class C0"). This variant has not been reported in the literature in individuals with COG7-related conditions. This variant is not present in population databases (ExAC no frequency). This sequence change replaces leucine with arginine at codon 332 of the COG7 protein (p.Leu332Arg). The leucine residue is weakly conserved and there is a moderate physicochemical difference between leucine and arginine.

NM_153603.4(COG7):c.995T>G (p.Leu332Arg)

Gene: COG7 (component of oligomeric golgi complex 7; minus strand). Cytogenetic location: 16p12.2.
Variant type: single nucleotide variant.
Coding change: c.995T>G on transcript NM_153603.4 (MANE Select); coding-DNA position 995, T replaced by G.
Protein change: p.Leu332Arg; replaces leucine 332 with arginine.
Molecular consequence: missense variant.
Genome position (GRCh38, 1-based): chr16:23,424,763, A>C on the plus strand (T>G on the coding strand, the complement: COG7 is on the minus strand). VCF-style: chr16-23424763-A-C. GRCh37 (hg19) VCF-style: chr16-23436084-A-C.
Other names: short protein forms L332R.
Identifiers: ClinVar variation 1499969 (VCV001499969.8), dbSNP rs756142167, ClinGen allele CA395121239.
Genomic context (GRCh38, chr16:23,424,763, plus strand): 5'-GAGCGAGTAAAGACAAGCTAGAGAACTGGCAGGAAGGAATGTTTACGTAGGTGGGGGAGC[A>C]GTGCCATCTCCAAGCCCTTGGCGAAGTGGGCGGTGGCGTCGTAGAACTCCAGCAGCCTGG-3'
Protein context (NP_705831.1, residues 322-342): AHFAKGLEMA[Leu332Arg]LPHLHEHNLV